The following is an entry in ClinVar:

NM_000836.4(GRIN2D):c.1106G>C (p.Trp369Ser)

Gene: GRIN2D (glutamate ionotropic receptor NMDA type subunit 2D; plus strand). Cytogenetic location: 19q13.33.
Variant type: single nucleotide variant.
Coding change: c.1106G>C on transcript NM_000836.4 (MANE Select); coding-DNA position 1106, G replaced by C.
Protein change: p.Trp369Ser; replaces tryptophan 369 with serine.
Molecular consequence: missense variant.
Genome position (GRCh38, 1-based): chr19:48,414,011, G>C. VCF-style: chr19-48414011-G-C. GRCh37 (hg19) VCF-style: chr19-48917268-G-C.
Other names: short protein forms W369S.
Identifiers: ClinVar variation 3650566 (VCV003650566.2).

ClinVar aggregate classification (germline): Uncertain significance (1 of 4 stars; one submission).

Submission:

Labcorp Genetics (formerly Invitae), Labcorp
Classification: Uncertain significance. Last evaluated: 2024-04-22. Review status: criteria provided, single submitter. Criteria: Invitae Variant Classification Sherloc (09022015). Collection method: clinical testing. Allele origin: germline.
Comment: This sequence change replaces tryptophan, which is neutral and slightly polar, with serine, which is neutral and polar, at codon 369 of the GRIN2D protein (p.Trp369Ser). This variant is not present in population databases (gnomAD no frequency). This variant has not been reported in the literature in individuals affected with GRIN2D-related conditions. Advanced modeling of protein sequence and biophysical properties (such as structural, functional, and spatial information, amino acid conservation, physicochemical variation, residue mobility, and thermodynamic stability) performed at Invitae indicates that this missense variant is not expected to disrupt GRIN2D protein function with a negative predictive value of 80%. In summary, the available evidence is currently insufficient to determine the role of this variant in disease. Therefore, it has been classified as a Variant of Uncertain Significance.